The following is an entry in ClinVar:

NM_152564.5(VPS13B):c.8869T>C (p.Leu2957=)

Gene: VPS13B (vacuolar protein sorting 13 homolog B; plus strand). Cytogenetic location: 8q22.2.
Variant type: single nucleotide variant.
Coding change: c.8869T>C on transcript NM_152564.5 (MANE Select); coding-DNA position 8869, T replaced by C.
Protein change: p.Leu2957=; no amino-acid change (leucine 2957 retained).
Molecular consequence: synonymous variant.
Genome position (GRCh38, 1-based): chr8:99,819,997, T>C. VCF-style: chr8-99819997-T-C. GRCh37 (hg19) VCF-style: chr8-100832225-T-C.
Other names: c.8944T>C, p.Leu2982= (NM_017890.5).
Identifiers: ClinVar variation 4535152 (VCV004535152.6).

ClinVar aggregate classification (germline): Likely benign (1 of 4 stars; one submission).

gnomAD v4.1: 1 of 1,614,066 alleles (0.000062%); highest among the groups gnomAD compares: African/African-American, 0.0013%; no homozygotes.

Submission:

CeGaT Center for Human Genetics Tuebingen
Classification: Likely benign. Last evaluated: 2025-11-01. Review status: criteria provided, single submitter. Criteria: CeGaT Center For Human Genetics Tuebingen Variant Classification Criteria Version 2. Collection method: clinical testing. Allele origin: germline. Affected: yes. Observed: 1 variant allele.
Comment: VPS13B: BP4, BP7